The following is an entry in ClinVar:

ClinVar aggregate classification (germline): Conflicting classifications of pathogenicity. Review status: criteria provided, conflicting classifications (1 of 4 stars). 5 submissions from 5 submitters: Uncertain significance (4); Likely benign (1). Last evaluated 2025-11-24.

Conditions:
Hereditary cancer-predisposing syndrome. Also called: Hereditary Cancer Syndrome; Neoplastic Syndromes, Hereditary; Hereditary neoplastic syndrome; Tumor predisposition. Identifiers: Orphanet 140162, MedGen C0027672, MeSH D009386, MONDO:0015356.
Multiple endocrine neoplasia, type 2 (MEN2). Identifiers: Orphanet 653, MedGen C4048306, MONDO:0019003. Disease mechanism: gain of function.
Hirschsprung disease, susceptibility to, 1 (HSCR1). Also called: RET-Related Hirschsprung Disease. Identifiers: Orphanet 388, MedGen C3888239, MONDO:0007723, OMIM 142623.

Allele frequency attached by ClinVar (database versions not stated): TOPMed 0.00003; gnomAD 0.00004; gnomAD exomes 0.00002; ExAC 0.00003.
gnomAD v4.1: 24 of 1,612,952 alleles (0.0015%); highest among the groups gnomAD compares: African/African-American, 0.0067%; no homozygotes.

Submissions (5):

Labcorp Genetics (formerly Invitae), Labcorp
Classification: Uncertain significance for Multiple endocrine neoplasia, type 2. Last evaluated: 2025-11-24. Review status: criteria provided, single submitter. Criteria: Invitae Variant Classification Sherloc (09022015). Collection method: clinical testing. Allele origin: germline.
Comment: This sequence change replaces arginine, which is basic and polar, with histidine, which is basic and polar, at codon 833 of the RET protein (p.Arg833His). This variant is present in population databases (rs587782636, gnomAD 0.008%). This missense change has been observed in individual(s) with pheochromocytoma (PMID: 30877234). ClinVar contains an entry for this variant (Variation ID: 142676). An algorithm developed to predict the effect of missense changes on protein structure and function (PolyPhen-2) suggests that this variant is likely to be disruptive. In summary, the available evidence is currently insufficient to determine the role of this variant in disease. Therefore, it has been classified as a Variant of Uncertain Significance.

Ambry Genetics
Classification: Likely benign for Hereditary cancer-predisposing syndrome. Last evaluated: 2025-11-14. Review status: criteria provided, single submitter. Criteria: Ambry Variant Classification Scheme 2023. Collection method: clinical testing. Allele origin: germline.

Color Diagnostics, LLC DBA Color Health
Classification: Uncertain significance for Multiple endocrine neoplasia, type 2. Last evaluated: 2025-06-17. Review status: criteria provided, single submitter. Criteria: ACMG Guidelines, 2015. Collection method: clinical testing. Allele origin: germline.
Comment: This missense variant replaces arginine with histidine at codon 833 of the RET protein. Computational prediction is inconclusive regarding the impact of this variant on protein structure and function. To our knowledge, functional studies have not been reported for this variant. This variant has been reported in an individual affected with pheochromocytoma (PMID: 30877234) and four individuals affected with lung cancer (PMID: 33898318). This variant has been identified in 6/280810 chromosomes in the general population by the Genome Aggregation Database (gnomAD). The available evidence is insufficient to determine the role of this variant in disease conclusively. Therefore, this variant is classified as a Variant of Uncertain Significance.

Baylor Genetics
Classification: Uncertain significance for Hirschsprung disease, susceptibility to, 1. Last evaluated: 2024-02-26. Review status: criteria provided, single submitter. Criteria: ACMG Guidelines, 2015. Collection method: clinical testing. Allele origin: unknown.

All of Us Research Program, National Institutes of Health
Classification: Uncertain significance for Multiple endocrine neoplasia, type 2. Last evaluated: 2023-12-18. Review status: criteria provided, single submitter. Criteria: ACMG Guidelines, 2015. Collection method: clinical testing. Allele origin: germline. Inheritance: Autosomal dominant inheritance. Observed: 2 variant alleles, 2 heterozygotes.
Comment: This missense variant replaces arginine with histidine at codon 833 of the RET protein. Computational prediction is inconclusive regarding the impact of this variant on protein structure and function (internally defined REVEL score threshold 0.5 < inconclusive < 0.7, PMID: 27666373). To our knowledge, functional studies have not been reported for this variant. This variant has been reported in an individual affected with pheochromocytoma (PMID: 30877234) and four individuals affected with lung cancer (PMID: 33898318). This variant has been identified in 6/280810 chromosomes in the general population by the Genome Aggregation Database (gnomAD). The available evidence is insufficient to determine the role of this variant in disease conclusively. Therefore, this variant is classified as a Variant of Uncertain Significance.

This study involves interpretation of variants in research participants for the purpose of population health screening. Participant phenotype was not available at the time of variant classification. Additional details can be found in publication PMID: 35346344, PMCID: PMC8962531

Literature cited by the submitters: PubMed 30877234 (cited by 3 submitters); PubMed 16469774 (cited by Ambry Genetics); PubMed 33898318 (cited by Color Diagnostics, LLC DBA Color Health and All of Us Research Program, National Institutes of Health).

NM_020975.6(RET):c.2498G>A (p.Arg833His)

Gene: RET (ret proto-oncogene; plus strand). Cytogenetic location: 10q11.21.
Variant type: single nucleotide variant.
Coding change: c.2498G>A on transcript NM_020975.6 (MANE Select); coding-DNA position 2498, G replaced by A.
Protein change: p.Arg833His; replaces arginine 833 with histidine.
Molecular consequence: missense variant.
Genome position (GRCh38, 1-based): chr10:43,119,636, G>A. VCF-style: chr10-43119636-G-A. GRCh37 (hg19) VCF-style: chr10-43615084-G-A.
Other names: c.2498G>A, p.Arg833His (NM_000323.2, NM_001406743.1, NM_001406744.1 and 4 more transcripts); c.1736G>A, p.Arg579His (NM_001355216.2); c.2369G>A, p.Arg790His (NM_001406761.1, NM_001406762.1, NM_001406764.1); c.2363G>A, p.Arg788His (NM_001406763.1, NM_001406765.1); c.2210G>A, p.Arg737His (NM_001406766.1, NM_001406767.1, NM_001406770.1); c.2234G>A, p.Arg745His (NM_001406768.1); c.2102G>A, p.Arg701His (NM_001406769.1, NM_001406772.1); c.2060G>A, p.Arg687His (NM_001406771.1, NM_001406773.1); and 10 more; short protein forms R833H, R579H, R438H, R489H, R591H, R790H, R687H, R701H.
Identifiers: ClinVar variation 142676 (VCV000142676.19), dbSNP rs587782636, ClinGen allele CA008821.